The following is an entry in ClinVar:

ClinVar aggregate classification (germline): Uncertain significance. Review status: criteria provided, multiple submitters, no conflicts (2 of 4 stars). 8 submissions from 8 submitters: Uncertain significance (8). Last evaluated 2025-08-20.

Conditions:
Hereditary spastic paraplegia. Also called: Familial spastic paraparesis. Identifiers: Orphanet 685, MedGen C0037773, MONDO:0019064. Disease mechanism: loss of function.
Hereditary spastic paraplegia 8 (SPG8). Also called: SPASTIC PARAPLEGIA 8, AUTOSOMAL DOMINANT. Identifiers: Orphanet 100989, MedGen C1863704, MONDO:0011339, OMIM 603563.
Ritscher-Schinzel syndrome. Also called: CRANIOCEREBELLOCARDIAC DYSPLASIA. Identifiers: Orphanet 7, MedGen C0796137, MONDO:0019078.
Ritscher-Schinzel syndrome 1 (RTSC1). Identifiers: Orphanet 7, MedGen C4551776, MONDO:0009073, OMIM 220210.

Allele frequency attached by ClinVar (database versions not stated): ExAC 0.00011; gnomAD exomes 0.00014; ESP Exome Variant Server 0.00015; gnomAD 0.00022 and 0.00024; TOPMed 0.00037.
gnomAD v4.1: 549 of 1,613,872 alleles (0.034%); highest among the groups gnomAD compares: Non-Finnish European, 0.043%; no homozygotes.

Submissions (8):

Labcorp Genetics (formerly Invitae), Labcorp
Classification: Uncertain significance for Ritscher-Schinzel syndrome; Hereditary spastic paraplegia 8. Last evaluated: 2025-08-20. Review status: criteria provided, single submitter. Criteria: Invitae Variant Classification Sherloc (09022015). Collection method: clinical testing. Allele origin: germline.
Comment: This sequence change replaces isoleucine, which is neutral and non-polar, with valine, which is neutral and non-polar, at codon 808 of the WASHC5 protein (p.Ile808Val). This variant is present in population databases (rs144507279, gnomAD 0.03%). This missense change has been observed in individual(s) with hereditary spastic paraplegia (HSP) (PMID: 27957547). ClinVar contains an entry for this variant (Variation ID: 374553). Invitae Evidence Modeling of protein sequence and biophysical properties (such as structural, functional, and spatial information, amino acid conservation, physicochemical variation, residue mobility, and thermodynamic stability) indicates that this missense variant is not expected to disrupt WASHC5 protein function with a negative predictive value of 80%. In summary, the available evidence is currently insufficient to determine the role of this variant in disease. Therefore, it has been classified as a Variant of Uncertain Significance.

Blueprint Genetics
Classification: Uncertain significance. Last evaluated: 2024-08-07. Review status: criteria provided, single submitter. Criteria: ACMG Guidelines, 2015. Collection method: clinical testing. Allele origin: germline.

Athena Diagnostics
Classification: Uncertain significance. Last evaluated: 2024-04-10. Review status: criteria provided, single submitter. Criteria: Athena Diagnostics Criteria. Collection method: clinical testing. Allele origin: unknown.
Comment: Available data are insufficient to determine the clinical significance of the variant at this time. The frequency of this variant in the general population is uninformative in assessment of its pathogenicity. This variant has been identified in at least one individual with clinical features associated with this gene. Computational tools disagree on the variant's effect on normal protein function.

Revvity Omics, Revvity
Classification: Uncertain significance. Last evaluated: 2023-08-21. Review status: criteria provided, single submitter. Criteria: ACMG Guidelines, 2015. Collection method: clinical testing. Allele origin: germline.

Mayo Clinic Laboratories, Mayo Clinic
Classification: Uncertain significance. Last evaluated: 2020-01-23. Review status: criteria provided, single submitter. Criteria: ACMG Guidelines, 2015. Collection method: clinical testing. Allele origin: germline. Observed: 1 variant allele.

Fulgent Genetics
Classification: Uncertain significance for Ritscher-Schinzel syndrome 1; Hereditary spastic paraplegia 8. Last evaluated: 2018-10-31. Review status: criteria provided, single submitter. Criteria: ACMG Guidelines, 2015. Collection method: clinical testing. Allele origin: unknown.

Genome Diagnostics Laboratory, The Hospital for Sick Children
Classification: Uncertain significance for Hereditary spastic paraplegia. Last evaluated: 2016-12-22. Review status: criteria provided, single submitter. Criteria: ACMG Guidelines, 2015. Collection method: clinical testing. Allele origin: germline. Affected: yes.

CeGaT Center for Human Genetics Tuebingen
Classification: Uncertain significance. Last evaluated: 2016-08-01. Review status: criteria provided, single submitter. Criteria: CeGaT Center For Human Genetics Tuebingen Variant Classification Criteria Version 2. Collection method: clinical testing. Allele origin: germline. Affected: yes. Observed: 1 variant allele.

Literature cited by the submitters: PubMed 27957547 (cited by Labcorp Genetics (formerly Invitae), Labcorp and Athena Diagnostics).

NM_014846.4(WASHC5):c.2422A>G (p.Ile808Val)

Gene: WASHC5 (WASH complex subunit 5; minus strand). Cytogenetic location: 8q24.13.
Variant type: single nucleotide variant.
Coding change: c.2422A>G on transcript NM_014846.4 (MANE Select); coding-DNA position 2422, A replaced by G.
Protein change: p.Ile808Val; replaces isoleucine 808 with valine.
Molecular consequence: missense variant.
Genome position (GRCh38, 1-based): chr8:125,047,289, T>C on the plus strand (A>G on the coding strand, the complement: WASHC5 is on the minus strand). VCF-style: chr8-125047289-T-C. GRCh37 (hg19) VCF-style: chr8-126059531-T-C.
Other names: c.1978A>G, p.Ile660Val (NM_001330609.2); short protein forms I808V, I660V.
Identifiers: ClinVar variation 374553 (VCV000374553.63), dbSNP rs144507279, ClinGen allele CA4873528.